The following is an entry in ClinVar:

NM_014806.5(RUSC2):c.874C>T (p.His292Tyr)

Gene: RUSC2 (RUN and SH3 domain containing 2; plus strand). Cytogenetic location: 9p13.3.
Variant type: single nucleotide variant.
Coding change: c.874C>T on transcript NM_014806.5 (MANE Select); coding-DNA position 874, C replaced by T.
Protein change: p.His292Tyr; replaces histidine 292 with tyrosine.
Molecular consequence: missense variant. On other transcripts: non-coding transcript variant (1), intron variant (1).
Genome position (GRCh38, 1-based): chr9:35,547,395, C>T. VCF-style: chr9-35547395-C-T. GRCh37 (hg19) VCF-style: chr9-35547392-C-T.
Other names: c.874C>T, p.His292Tyr (NM_001135999.2); c.-620-7665C>T (NM_001330740.2); short protein forms H292Y.
Identifiers: ClinVar variation 1480851 (VCV001480851.5), dbSNP rs374631266, ClinGen allele CA5043548.

ClinVar aggregate classification (germline): Uncertain significance (1 of 4 stars; one submission).

Allele frequency attached by ClinVar (database versions not stated): gnomAD 0.00001; TOPMed 0.00001; gnomAD exomes 0.00002 and 0.00006; ESP Exome Variant Server 0.00008; ExAC 0.00011.
gnomAD v4.1: 36 of 1,614,074 alleles (0.0022%); highest among the groups gnomAD compares: Non-Finnish European, 0.0031%; no homozygotes.

Submission:

Labcorp Genetics (formerly Invitae), Labcorp
Classification: Uncertain significance. Last evaluated: 2021-08-20. Review status: criteria provided, single submitter. Criteria: Invitae Variant Classification Sherloc (09022015). Collection method: clinical testing. Allele origin: germline.
Comment: This sequence change replaces histidine with tyrosine at codon 292 of the RUSC2 protein (p.His292Tyr). The histidine residue is moderately conserved and there is a moderate physicochemical difference between histidine and tyrosine. This variant is present in population databases (rs374631266, ExAC 0.02%). This variant has not been reported in the literature in individuals affected with RUSC2-related conditions. Algorithms developed to predict the effect of missense changes on protein structure and function are either unavailable or do not agree on the potential impact of this missense change (SIFT: "Deleterious"; PolyPhen-2: "Possibly Damaging"; Align-GVGD: "Class C15"). Algorithms developed to predict the effect of sequence changes on RNA splicing suggest that this variant may create or strengthen a splice site. In summary, the available evidence is currently insufficient to determine the role of this variant in disease. Therefore, it has been classified as a Variant of Uncertain Significance.